The following is an entry in ClinVar:

NM_001042492.3(NF1):c.7185A>G (p.Leu2395=)

Gene: NF1 (neurofibromin 1; plus strand). Cytogenetic location: 17q11.2.
Variant type: single nucleotide variant.
Coding change: c.7185A>G on transcript NM_001042492.3 (MANE Select); coding-DNA position 7185, A replaced by G.
Protein change: p.Leu2395=; no amino-acid change (leucine 2395 retained).
Molecular consequence: synonymous variant.
Genome position (GRCh38, 1-based): chr17:31,343,131, A>G. VCF-style: chr17-31343131-A-G. GRCh37 (hg19) VCF-style: chr17-29670149-A-G.
Other names: c.7122A>G, p.Leu2374= (NM_000267.4).
Identifiers: ClinVar variation 826852 (VCV000826852.12), dbSNP rs1172296616, ClinGen allele CA499236866.

ClinVar aggregate classification (germline): Benign/Likely benign. Review status: criteria provided, multiple submitters, no conflicts (2 of 4 stars). 4 submissions from 4 submitters: Benign (1); Likely benign (3). Last evaluated 2026-09-23.

Conditions:
Cardiovascular phenotype. Identifiers: MedGen CN230736.
Hereditary cancer-predisposing syndrome. Also called: Hereditary neoplastic syndrome; Neoplastic Syndromes, Hereditary; Tumor predisposition; Hereditary Cancer Syndrome. Identifiers: Orphanet 140162, MedGen C0027672, MeSH D009386, MONDO:0015356.
Neurofibromatosis, type 1 (NF1). Also called: Neurofibromatosis, type I; Peripheral type neurofibromatosis; VON RECKLINGHAUSEN DISEASE; NEUROFIBROMATOSIS, TYPE I, SOMATIC. Identifiers: Orphanet 636, MedGen C0027831, MONDO:0018975, OMIM 162200. Disease mechanism: loss of function.

Allele frequency attached by ClinVar (database versions not stated): gnomAD 0.00003 and 0.00001.
gnomAD v4.1: 1 of 1,611,902 alleles (0.000062%); highest among the groups gnomAD compares: African/African-American, 0.0013%; no homozygotes.

Submissions (4):

Myriad Genetics, Inc.
Classification: Benign for Neurofibromatosis, type 1. Last evaluated: 2026-09-23. Review status: criteria provided, single submitter. Criteria: Myriad Autosomal Dominant, Autosomal Recessive and X-Linked Classification Criteria (2023). Collection method: clinical testing. Allele origin: unknown.
Comment: This variant is considered benign. This variant is a silent/synonymous amino acid change and it is not expected to impact splicing.

Labcorp Genetics (formerly Invitae), Labcorp
Classification: Likely benign for Neurofibromatosis, type 1. Last evaluated: 2025-03-31. Review status: criteria provided, single submitter. Criteria: Invitae Variant Classification Sherloc (09022015). Collection method: clinical testing. Allele origin: germline.

Genome-Nilou Lab
Classification: Likely benign for Neurofibromatosis, type 1. Last evaluated: 2022-03-15. Review status: criteria provided, single submitter. Criteria: ACMG Guidelines, 2015. Collection method: clinical testing. Allele origin: germline. Affected: no.

Ambry Genetics
Classification: Likely benign for Cardiovascular phenotype; Hereditary cancer-predisposing syndrome. Last evaluated: 2019-05-06. Review status: criteria provided, single submitter. Criteria: Ambry Variant Classification Scheme 2023. Collection method: clinical testing. Allele origin: germline.